The following is an entry in ClinVar:

NM_019892.6(INPP5E):c.1630G>A (p.Asp544Asn)

Gene: INPP5E (inositol polyphosphate-5-phosphatase E; minus strand). Cytogenetic location: 9q34.3.
Variant type: single nucleotide variant.
Coding change: c.1630G>A on transcript NM_019892.6 (MANE Select); coding-DNA position 1630, G replaced by A.
Protein change: p.Asp544Asn; replaces aspartic acid 544 with asparagine.
Molecular consequence: missense variant.
Genome position (GRCh38, 1-based): chr9:136,431,037, C>T on the plus strand (G>A on the coding strand, the complement: INPP5E is on the minus strand). VCF-style: chr9-136431037-C-T. GRCh37 (hg19) VCF-style: chr9-139325489-C-T.
Other names: c.1630G>A (NM_019892.5); c.1627G>A, p.Asp543Asn (NM_001318502.2); short protein forms D543N, D544N.
Identifiers: ClinVar variation 1319014 (VCV001319014.4), dbSNP rs1161636527, ClinGen allele CA375561616.

ClinVar aggregate classification (germline): Conflicting classifications of pathogenicity. Review status: criteria provided, conflicting classifications (1 of 4 stars). 3 submissions from 3 submitters: Likely pathogenic (1); Uncertain significance (1). 1 of the submissions does not count toward it. Last evaluated 2023-10-09.

Conditions:
INPP5E-related disorder. Also called: INPP5E-related condition.
Joubert syndrome 1 (JBTS1). Also called: Cerebellooculorenal syndrome 1; CEREBELLOPARENCHYMAL DISORDER IV. Identifiers: MedGen C4551568, MONDO:0008944, OMIM 213300.

Allele frequency attached by ClinVar (database versions not stated): gnomAD exomes below 0.00001 and 0.00001; gnomAD 0.00001.
gnomAD v4.1: 11 of 1,613,124 alleles (0.00068%); highest among the groups gnomAD compares: South Asian, 0.0022%; no homozygotes.

Submissions (3):

Pittsburgh Clinical Genomics Laboratory, University of Pittsburgh Medical Center
Classification: Likely pathogenic for Joubert syndrome 1. Last evaluated: 2023-10-09. Review status: criteria provided, single submitter. Criteria: ACMG Guidelines, 2015. Collection method: clinical testing. Allele origin: germline. Inheritance: Autosomal recessive inheritance. Affected: yes.
Comment: This sequence variant is a single nucleotide substitution (G>A) at position 1630 of the coding sequence of the INPP5E gene that results in an aspartic acid to asparagine amino acid change at residue 544 of the inositol polyphosphate-5-phosphatase E protein. The 544 residue falls in the inositol polyphosphate phosphatase catalytic domain which is critical to inositol polyphosphate-5-phosphatase E's role in stabilizing cilia and phosphatidylinositol signaling (PMID: 19668216). This is a previously reported variant (ClinVar 1319014) that has not been observed in individuals affected by INPP5E-related disorder in the published literature. This variant is present in 2 of 151786 alleles (0.001%) in the gnomAD v3.1.2 population dataset. Multiple bioinformatic tools predict that this aspartic acid to asparagine amino acid change would be damaging, and the Asp544 residue at this position is highly conserved across the vertebrate species examined. Studies examining the functional consequence of this variant have not been published to our knowledge. Based upon the evidence, we consider this a likely pathogenic variant. ACMG Criteria: PM1, PM2, PM3, PP2, PP3

GeneDx
Classification: Uncertain significance. Last evaluated: 2019-04-11. Review status: criteria provided, single submitter. Criteria: GeneDx Variant Classification Process June 2021. Collection method: clinical testing. Allele origin: germline. Affected: yes.
Comment: Not observed at a significant frequency in large population cohorts (Lek et al., 2016); In silico analysis, which includes protein predictors and evolutionary conservation, supports a deleterious effect; Has not been previously published as pathogenic or benign to our knowledge

PreventionGenetics, part of Exact Sciences
Classification: Uncertain significance for INPP5E-related condition. Last evaluated: 2024-01-18. Review status: no assertion criteria provided. Collection method: clinical testing. Allele origin: germline. Not counted in ClinVar's aggregate classification.
Comment: The INPP5E c.1630G>A variant is predicted to result in the amino acid substitution p.Asp544Asn. To our knowledge, this variant has not been reported in the literature. This variant is reported in 0.0033% of alleles in individuals of South Asian descent in gnomAD. At this time, the clinical significance of this variant is uncertain due to the absence of conclusive functional and genetic evidence.

Literature cited by the submitters: PubMed 19668216 (cited by Pittsburgh Clinical Genomics Laboratory, University of Pittsburgh Medical Center).